The following is an entry in ClinVar:

ClinVar aggregate classification (germline): Conflicting classifications of pathogenicity. Review status: criteria provided, conflicting classifications (1 of 4 stars). 2 submissions from 2 submitters: Likely pathogenic (1); Uncertain significance (1). Last evaluated 2023-11-10.

Conditions:
Early-infantile DEE. Also called: Early infantile epileptic encephalopathy; Ohtahara syndrome; Early infantile epileptic encephalopathy with suppression bursts. Identifiers: Orphanet 1934, MedGen C0393706, MONDO:0800491.
KCNQ2-Related Disorders. Also called: KCNQ2-related disorder; KCNQ2-related condition. Identifiers: MedGen CN169299.

Submissions (2):

Daryl Scott Lab, Baylor College of Medicine
Classification: Likely pathogenic for KCNQ2-related disorder. Last evaluated: 2023-11-10. Review status: criteria provided, single submitter. Criteria: ACMG Guidelines, 2015. Collection method: clinical testing. Allele origin: de novo. Affected: yes.

Labcorp Genetics (formerly Invitae), Labcorp
Classification: Uncertain significance for Early-infantile DEE. Last evaluated: 2023-05-01. Review status: criteria provided, single submitter. Criteria: Invitae Variant Classification Sherloc (09022015). Collection method: clinical testing. Allele origin: germline.
Comment: Advanced modeling of protein sequence and biophysical properties (such as structural, functional, and spatial information, amino acid conservation, physicochemical variation, residue mobility, and thermodynamic stability) performed at Invitae indicates that this missense variant is expected to disrupt KCNQ2 protein function. This variant has not been reported in the literature in individuals affected with KCNQ2-related conditions. This variant is not present in population databases (gnomAD no frequency). This sequence change replaces glutamine, which is neutral and polar, with proline, which is neutral and non-polar, at codon 286 of the KCNQ2 protein (p.Gln286Pro). In summary, the available evidence is currently insufficient to determine the role of this variant in disease. Therefore, it has been classified as a Variant of Uncertain Significance.

NM_172107.4(KCNQ2):c.857A>C (p.Gln286Pro)

Gene: KCNQ2 (potassium voltage-gated channel subfamily Q member 2; minus strand). Cytogenetic location: 20q13.33.
Variant type: single nucleotide variant.
Coding change: c.857A>C on transcript NM_172107.4 (MANE Select); coding-DNA position 857, A replaced by C.
Protein change: p.Gln286Pro; replaces glutamine 286 with proline.
Molecular consequence: missense variant.
Genome position (GRCh38, 1-based): chr20:63,439,668, T>G on the plus strand (A>C on the coding strand, the complement: KCNQ2 is on the minus strand). VCF-style: chr20-63439668-T-G. GRCh37 (hg19) VCF-style: chr20-62071021-T-G.
Other names: c.857A>C, p.Gln286Pro (NM_001382235.1, NM_004518.6, NM_172106.3 and 2 more transcripts); short protein forms Q286P.
Identifiers: ClinVar variation 2628339 (VCV002628339.4), dbSNP rs2516419848, ClinGen allele CA409652641.